The following is an entry in ClinVar:

NM_001368397.1(FRMPD4):c.2527G>T (p.Asp843Tyr)

Gene: FRMPD4 (FERM and PDZ domain containing 4; plus strand). Cytogenetic location: Xp22.2.
Variant type: single nucleotide variant.
Coding change: c.2527G>T on transcript NM_001368397.1 (MANE Select); coding-DNA position 2527, G replaced by T.
Protein change: p.Asp843Tyr; replaces aspartic acid 843 with tyrosine.
Molecular consequence: missense variant.
Genome position (GRCh38, 1-based): chrX:12,716,986, G>T. VCF-style: chrX-12716986-G-T. GRCh37 (hg19) VCF-style: chrX-12735105-G-T.
Other names: c.2638G>T, p.Asp880Tyr (NM_001368395.3, NM_001368398.3); c.2533G>T, p.Asp845Tyr (NM_001368396.3); c.2518G>T, p.Asp840Tyr (NM_001368399.3); c.2407G>T, p.Asp803Tyr (NM_001368400.3); c.2503G>T, p.Asp835Tyr (NM_001368401.1, NM_001368402.3); c.2527G>T, p.Asp843Tyr (NM_014728.3); short protein forms D803Y, D835Y, D840Y, D843Y, D845Y, D880Y.
Identifiers: ClinVar variation 4882341 (VCV004882341.2).

ClinVar aggregate classification (germline): Uncertain significance (1 of 4 stars; one submission).

Conditions:
X-linked complex neurodevelopmental disorder. Identifiers: MedGen CN294807, MONDO:0100148.

Submission:

Dasa
Classification: Uncertain significance for X-linked complex neurodevelopmental disorder. Last evaluated: 2026-02-04. Review status: criteria provided, single submitter. Criteria: DASA Assertion Criteria. Collection method: clinical testing. Allele origin: germline.
Comment: NM_001368397.1(FRMPD4):c.2527G>T (p.Asp843Tyr) is a missense variant that results in the substitution of aspartic acid with tyrosine. This variant is rare in population databases. Computational prediction algorithms are consistent with a benign effect. The currently available literature and clinical evidence are not sufficient to establish a definitive association between this variant and the reported condition. Therefore, this variant is classified as a variant of uncertain significance.